The following is an entry in ClinVar:

NM_017934.7(PHIP):c.1102G>A (p.Val368Ile)

Gene: PHIP (PHIP subunit of CUL4-Ring ligase complex; minus strand). Cytogenetic location: 6q14.1.
Variant type: single nucleotide variant.
Coding change: c.1102G>A on transcript NM_017934.7 (MANE Select); coding-DNA position 1102, G replaced by A.
Protein change: p.Val368Ile; replaces valine 368 with isoleucine.
Molecular consequence: missense variant.
Genome position (GRCh38, 1-based): chr6:79,017,380, C>T on the plus strand (G>A on the coding strand, the complement: PHIP is on the minus strand). VCF-style: chr6-79017380-C-T. GRCh37 (hg19) VCF-style: chr6-79727097-C-T.
Other names: short protein forms V368I.
Identifiers: ClinVar variation 4540255 (VCV004540255.1).

ClinVar aggregate classification (germline): Uncertain significance (1 of 4 stars; one submission).

Submission:

GeneDx
Classification: Uncertain significance. Last evaluated: 2025-06-26. Review status: criteria provided, single submitter. Criteria: GeneDx Variant Classification Process June 2021. Collection method: clinical testing. Allele origin: germline. Affected: yes.
Comment: Not observed at significant frequency in large population cohorts (gnomAD); In silico analysis suggests that this missense variant does not alter protein structure/function; Has not been previously published as pathogenic or benign to our knowledge